The following is an entry in ClinVar:

ClinVar aggregate classification (germline): Conflicting classifications of pathogenicity. Review status: criteria provided, conflicting classifications (1 of 4 stars). 2 submissions from 2 submitters: Uncertain significance (1); Likely benign (1). Last evaluated 2025-05-13.

Conditions:
Hereditary cancer-predisposing syndrome. Also called: Hereditary Cancer Syndrome; Tumor predisposition; Hereditary neoplastic syndrome; Neoplastic Syndromes, Hereditary. Identifiers: Orphanet 140162, MedGen C0027672, MeSH D009386, MONDO:0015356.
Hereditary breast ovarian cancer syndrome. Also called: Hereditary breast and/or ovarian cancer syndrome; Hereditary breast and ovarian cancer syndrome; Hereditary breast and ovarian cancer syndrome (HBOC); Breast and ovarian cancer; Hereditary breast and ovarian cancer; BRCA1- and BRCA2-Associated Hereditary Breast and Ovarian Cancer. Identifiers: Orphanet 145, MedGen C0677776, MeSH D061325, MONDO:0003582. Disease mechanism: loss of function.

Submissions (2):

Labcorp Genetics (formerly Invitae), Labcorp
Classification: Uncertain significance for Hereditary breast ovarian cancer syndrome. Last evaluated: 2025-05-13. Review status: criteria provided, single submitter. Criteria: Invitae Variant Classification Sherloc (09022015). Collection method: clinical testing. Allele origin: germline.
Comment: This sequence change replaces serine, which is neutral and polar, with arginine, which is basic and polar, at codon 1189 of the BRCA1 protein (p.Ser1189Arg). This variant is not present in population databases (gnomAD no frequency). This variant has not been reported in the literature in individuals affected with BRCA1-related conditions. ClinVar contains an entry for this variant (Variation ID: 1046490). Invitae Evidence Modeling of protein sequence and biophysical properties (such as structural, functional, and spatial information, amino acid conservation, physicochemical variation, residue mobility, and thermodynamic stability) has been performed for this missense variant. However, the output from this modeling did not meet the statistical confidence thresholds required to predict the impact of this variant on BRCA1 protein function. In summary, the available evidence is currently insufficient to determine the role of this variant in disease. Therefore, it has been classified as a Variant of Uncertain Significance.

University of Washington Department of Laboratory Medicine, University of Washington
Classification: Likely benign for Hereditary cancer-predisposing syndrome. Last evaluated: 2023-03-23. Review status: criteria provided, single submitter. Criteria: Dines et al. (Genet Med. 2020). Collection method: curation. Allele origin: germline.
Comment: Missense variant in a coldspot region where missense variants are very unlikely to be pathogenic (PMID:31911673).

BRCA1 coldspot (exon 11 using historical exon numbering). Reclassification based on statistical prior probability

NM_007294.4(BRCA1):c.3565A>C (p.Ser1189Arg)

Genes: BRCA1 (BRCA1 DNA repair associated; minus strand), LOC126862571 (BRD4-independent group 4 enhancer GRCh37_chr17:41243136-41244335; plus strand). Cytogenetic location: 17q21.31.
Variant type: single nucleotide variant.
Coding change: c.3565A>C on transcript NM_007294.4 (MANE Select); coding-DNA position 3565, A replaced by C.
Protein change: p.Ser1189Arg; replaces serine 1189 with arginine.
Molecular consequence: missense variant. On other transcripts: intron variant (135).
Genome position (GRCh38, 1-based): chr17:43,091,966, T>G on the plus strand (A>C on the coding strand, the complement: BRCA1 is on the minus strand). VCF-style: chr17-43091966-T-G. GRCh37 (hg19) VCF-style: chr17-41243983-T-G.
Other names: c.3421A>C, p.Ser1141Arg (NM_001407848.1, NM_001407849.1, NM_001407740.1 and 20 more transcripts); c.3424A>C, p.Ser1142Arg (NM_001407850.1, NM_001407851.1, NM_001407852.1 and 29 more transcripts); c.3352A>C, p.Ser1118Arg (NM_001407853.1, NM_001407894.1, NM_001407895.1 and 9 more transcripts); c.3565A>C, p.Ser1189Arg (NM_001407854.1, NM_001407858.1, NM_001407859.1 and 30 more transcripts); c.3361A>C, p.Ser1121Arg (NM_001407875.1, NM_001407874.1); c.3355A>C, p.Ser1119Arg (NM_001407879.1, NM_001407881.1, NM_001407882.1 and 13 more transcripts); c.3562A>C, p.Ser1188Arg (NM_001407860.1, NM_001407861.1, NM_001407587.1 and 22 more transcripts); c.3364A>C, p.Ser1122Arg (NM_001407862.1); and 41 more; short protein forms S1142R, S1189R, S1078R, S1118R, S1148R, S1162R, S1163R, S321R.
Identifiers: ClinVar variation 1046490 (VCV001046490.12), dbSNP rs1567791142, ClinGen allele CA10594835.